The following is an entry in ClinVar:

NM_001972.4(ELANE):c.52G>C (p.Ala18Pro)

Gene: ELANE (elastase, neutrophil expressed; plus strand). Cytogenetic location: 19p13.3.
Variant type: single nucleotide variant.
Coding change: c.52G>C on transcript NM_001972.4 (MANE Select); coding-DNA position 52, G replaced by C.
Protein change: p.Ala18Pro; replaces alanine 18 with proline.
Molecular consequence: missense variant.
Genome position (GRCh38, 1-based): chr19:852,380, G>C. VCF-style: chr19-852380-G-C. GRCh37 (hg19) VCF-style: chr19-852380-G-C.
Other names: c.52G>C (NM_001972.2); short protein forms A18P.
Identifiers: ClinVar variation 208492 (VCV000208492.11), dbSNP rs797045007, ClinGen allele CA281498.
Genomic context (GRCh38, chr19:852,380, plus strand): 5'-AGCCCCACCATGACCCTCGGCCGCCGACTCGCGTGTCTTTTCCTCGCCTGTGTCCTGCCG[G>C]CCTTGCTGCTGGGGGGTGAGTTTTTGAGTCCAACCTCCCGCTGCTCCCTCTGTCCCGGGT-3'
Protein context (NP_001963.1, residues 8-28): ACLFLACVLP[Ala18Pro]LLLGGTALAS

ClinVar aggregate classification (germline): Uncertain significance. Review status: criteria provided, multiple submitters, no conflicts (2 of 4 stars). 3 submissions from 3 submitters: Uncertain significance (2). 1 of the submissions does not count toward it. Last evaluated 2025-08-01.

Conditions:
Neutropenia, severe congenital, 1, autosomal dominant. Identifiers: MedGen C1859966, MONDO:0042490, OMIM 202700.
Cyclical neutropenia. Also called: Cyclic hematopoiesis; Cyclic Neutropenia. Identifiers: Orphanet 2686, MedGen C0221023, MONDO:0008090, OMIM 162800, HP:0040289. Disease mechanism: loss of function.
Inborn genetic diseases. Identifiers: MedGen C0950123, MeSH D030342.

Allele frequency attached by ClinVar (database versions not stated): TOPMed below 0.00001.

Submissions (3):

Ambry Genetics
Classification: Uncertain significance for Inborn genetic diseases. Last evaluated: 2025-08-01. Review status: criteria provided, single submitter. Criteria: Ambry Variant Classification Scheme 2023. Collection method: clinical testing. Allele origin: germline.

Labcorp Genetics (formerly Invitae), Labcorp
Classification: Uncertain significance for Neutropenia, severe congenital, 1, autosomal dominant; Cyclical neutropenia. Last evaluated: 2024-06-06. Review status: criteria provided, single submitter. Criteria: Invitae Variant Classification Sherloc (09022015). Collection method: clinical testing. Allele origin: germline.
Comment: This sequence change replaces alanine, which is neutral and non-polar, with proline, which is neutral and non-polar, at codon 18 of the ELANE protein (p.Ala18Pro). This variant is not present in population databases (gnomAD no frequency). This variant has not been reported in the literature in individuals affected with ELANE-related conditions. ClinVar contains an entry for this variant (Variation ID: 208492). Advanced modeling of protein sequence and biophysical properties (such as structural, functional, and spatial information, amino acid conservation, physicochemical variation, residue mobility, and thermodynamic stability) has been performed at Invitae for this missense variant, however the output from this modeling did not meet the statistical confidence thresholds required to predict the impact of this variant on ELANE protein function. In summary, the available evidence is currently insufficient to determine the role of this variant in disease. Therefore, it has been classified as a Variant of Uncertain Significance.

Mendelics
Classification: Uncertain significance for Cyclical neutropenia. Last evaluated: 2020-08-06. Review status: no assertion criteria provided. Collection method: clinical testing. Allele origin: unknown. Affected: yes. Not counted in ClinVar's aggregate classification.